The following is an entry in ClinVar:

ClinVar aggregate classification (germline): Uncertain significance. Review status: criteria provided, multiple submitters, no conflicts (2 of 4 stars). 2 submissions from 2 submitters: Uncertain significance (2). Last evaluated 2025-05-05.

Conditions:
Inborn genetic diseases. Identifiers: MedGen C0950123, MeSH D030342.

Allele frequency attached by ClinVar (database versions not stated): TOPMed 0.00002; gnomAD exomes below 0.00001.
gnomAD v4.1: 2 of 1,614,064 alleles (0.00012%); highest among the groups gnomAD compares: Non-Finnish European, 0.000085%; no homozygotes.

Submissions (2):

Ambry Genetics
Classification: Uncertain significance for Inborn genetic diseases. Last evaluated: 2025-05-05. Review status: criteria provided, single submitter. Criteria: Ambry Variant Classification Scheme 2023. Collection method: clinical testing. Allele origin: germline.

Labcorp Genetics (formerly Invitae), Labcorp
Classification: Uncertain significance. Last evaluated: 2023-10-03. Review status: criteria provided, single submitter. Criteria: Invitae Variant Classification Sherloc (09022015). Collection method: clinical testing. Allele origin: germline.
Comment: This sequence change replaces glutamine, which is neutral and polar, with glutamic acid, which is acidic and polar, at codon 256 of the HYLS1 protein (p.Gln256Glu). This variant is present in population databases (no rsID available, gnomAD no frequency). This variant has not been reported in the literature in individuals affected with HYLS1-related conditions. ClinVar contains an entry for this variant (Variation ID: 1900057). An algorithm developed to predict the effect of missense changes on protein structure and function (PolyPhen-2) suggests that this variant¬†is likely to be tolerated. In summary, the available evidence is currently insufficient to determine the role of this variant in disease. Therefore, it has been classified as a Variant of Uncertain Significance.

NM_001134793.2(HYLS1):c.766C>G (p.Gln256Glu)

Genes: HYLS1 (HYLS1 centriolar and ciliogenesis associated; plus strand), PUS3 (pseudouridine synthase 3; minus strand). Cytogenetic location: 11q24.2.
Variant type: single nucleotide variant.
Coding change: c.766C>G on transcript NM_001134793.2 (MANE Select); coding-DNA position 766, C replaced by G.
Protein change: p.Gln256Glu; replaces glutamine 256 with glutamic acid.
Molecular consequence: missense variant. On other transcripts: intron variant (2).
Genome position (GRCh38, 1-based): chr11:125,900,134, C>G. VCF-style: chr11-125900134-C-G. GRCh37 (hg19) VCF-style: chr11-125770029-C-G.
Other names: c.766C>G, p.Gln256Glu (NM_145014.3, NM_001377269.1, NM_001377270.1 and 1 more transcripts); c.-247+3036G>C (NM_001271985.2); c.-47+3036G>C (NM_031307.4); c.766C>G (NM_145014.2); short protein forms Q256E.
Identifiers: ClinVar variation 1900057 (VCV001900057.4), dbSNP rs1478698385, ClinGen allele CA383205670.